The following is an entry in ClinVar:

NM_002838.5(PTPRC):c.3041C>G (p.Pro1014Arg)

Gene: PTPRC (protein tyrosine phosphatase receptor type C; plus strand). Cytogenetic location: 1q32.1.
Variant type: single nucleotide variant.
Coding change: c.3041C>G on transcript NM_002838.5 (MANE Select); coding-DNA position 3041, C replaced by G.
Protein change: p.Pro1014Arg; replaces proline 1014 with arginine.
Molecular consequence: missense variant.
Genome position (GRCh38, 1-based): chr1:198,749,518, C>G. VCF-style: chr1-198749518-C-G. GRCh37 (hg19) VCF-style: chr1-198718647-C-G.
Other names: c.2558C>G, p.Pro853Arg (NM_080921.4); c.3035C>G (NM_002838.3); short protein forms P1014R, P853R.
Identifiers: ClinVar variation 2794503 (VCV002794503.2), dbSNP rs2528031340, ClinGen allele CA344053387.
Genomic context (GRCh38, chr1:198,749,518, plus strand): 5'-GTAAAGAGAGTGAGCATGATTCAGATGAATCCTCTGATGATGACAGTGATTCAGAGGAAC[C>G]AAGCAAATACATCAATGCATCTTTTATAATGGTAGGTACTTAAATTGCCAAAACCCAAGA-3'
Protein context (NP_002829.3, residues 1004-1024): SSDDDSDSEE[Pro1014Arg]SKYINASFIM

ClinVar aggregate classification (germline): Uncertain significance. Review status: criteria provided, multiple submitters, no conflicts (2 of 4 stars). 2 submissions from 2 submitters: Uncertain significance (2). Last evaluated 2025-08-07.

Conditions:
Immunodeficiency 104. Also called: Severe Combined Immune Deficiency, Autosomal Recessive, TCell -Negative, B Cell-Positive, NK Cell-Positive, IL7R-Related; IMMUNODEFICIENCY 104, SEVERE COMBINED; Severe combined immunodeficiency, autosomal recessive, T cell-negative, B cell-positive, NK cell-positive; SCID, AUTOSOMAL RECESSIVE, T CELL-NEGATIVE, B CELL-POSITIVE, NK CELL-POSITIVE. Identifiers: MedGen C5676890, MONDO:0012163, OMIM 608971.
Inborn genetic diseases. Identifiers: MedGen C0950123, MeSH D030342.

Submissions (2):

Ambry Genetics
Classification: Uncertain significance for Inborn genetic diseases. Last evaluated: 2025-08-07. Review status: criteria provided, single submitter. Criteria: Ambry Variant Classification Scheme 2023. Collection method: clinical testing. Allele origin: germline.

Labcorp Genetics (formerly Invitae), Labcorp
Classification: Uncertain significance for Immunodeficiency 104. Last evaluated: 2023-11-08. Review status: criteria provided, single submitter. Criteria: Invitae Variant Classification Sherloc (09022015). Collection method: clinical testing. Allele origin: germline.
Comment: This sequence change replaces proline, which is neutral and non-polar, with arginine, which is basic and polar, at codon 1014 of the PTPRC protein (p.Pro1014Arg). This variant is not present in population databases (gnomAD no frequency). This variant has not been reported in the literature in individuals affected with PTPRC-related conditions. An algorithm developed to predict the effect of missense changes on protein structure and function (PolyPhen-2) suggests that this variant¬†is likely to be tolerated. In summary, the available evidence is currently insufficient to determine the role of this variant in disease. Therefore, it has been classified as a Variant of Uncertain Significance.